The following is an entry in ClinVar:

ClinVar aggregate classification (germline): Uncertain significance (1 of 4 stars; one submission).

Submission:

CeGaT Center for Human Genetics Tuebingen
Classification: Uncertain significance. Last evaluated: 2024-07-01. Review status: criteria provided, single submitter. Criteria: CeGaT Center For Human Genetics Tuebingen Variant Classification Criteria Version 2. Collection method: clinical testing. Allele origin: germline. Affected: yes. Observed: 1 variant allele.
Comment: SERPINH1: PM2, PP3, PP4

NM_001235.5(SERPINH1):c.498_499delinsAT (p.Arg167Cys)

Gene: SERPINH1 (serpin family H member 1; plus strand). Cytogenetic location: 11q13.5.
Variant type: Indel.
Coding change: c.498_499delinsAT on transcript NM_001235.5 (MANE Select); coding-DNA positions 498 to 499, GC replaced by AT.
Protein change: p.Arg167Cys; replaces arginine 167 with cysteine.
Molecular consequence: missense variant.
Genome position (GRCh38, 1-based): chr11:75,566,847-75,566,848, GC replaced by AT. VCF-style: chr11-75566847-GC-AT. GRCh37 (hg19) VCF-style: chr11-75277892-GC-AT.
Other names: c.498_499delinsAT, p.Arg167Cys (NM_001207014.3); short protein forms R167C.
Identifiers: ClinVar variation 3251234 (VCV003251234.18), dbSNP rs2497015482.